The following is an entry in ClinVar:

NM_001374828.1:c.2247+8739_2248-20866del

Gene: ARID1B (AT-rich interaction domain 1B; plus strand).
Variant type: Deletion.
Other names: c.2247+8739_2248-20866del (NM_001374828.1).
Identifiers: ClinVar variation 4853721 (VCV004853721.1).

ClinVar aggregate classification (germline): Uncertain significance (1 of 4 stars; one submission).

Submission:

Women's Health and Genetics/Laboratory Corporation of America, LabCorp
Classification: Uncertain significance. Last evaluated: 2026-05-21. Review status: criteria provided, single submitter. Criteria: LabCorp Variant Classification Summary - May 2015. Collection method: clinical testing. Allele origin: germline.
Comment: Variant summary: ARID1B c.2247+8739_2248-20866del is located at a position not widely known to affect splicing. The variant was absent in 21694 control chromosomes. The available data on variant occurrences in the general population are insufficient to allow any conclusion about variant significance. To our knowledge, no occurrence of c.2247+8739_2248-20866del in individuals affected with ARID1B-related conditions and no experimental evidence demonstrating its impact on protein function have been reported. No submitters have cited clinical-significance assessments for this variant to ClinVar. Based on the evidence outlined above, the variant was classified as uncertain significance.